The following is an entry in ClinVar:

ClinVar aggregate classification (germline): Uncertain significance (1 of 4 stars; one submission).

Conditions:
Achondrogenesis, type IA (ACG1A). Identifiers: Orphanet 932, Orphanet 93299, MedGen C0265273, MONDO:0008701, OMIM 200600.

Submission:

Labcorp Genetics (formerly Invitae), Labcorp
Classification: Uncertain significance for Achondrogenesis, type IA. Last evaluated: 2022-01-14. Review status: criteria provided, single submitter. Criteria: Invitae Variant Classification Sherloc (09022015). Collection method: clinical testing. Allele origin: germline.
Comment: Algorithms developed to predict the effect of missense changes on protein structure and function are either unavailable or do not agree on the potential impact of this missense change (SIFT: "Not Available"; PolyPhen-2: "Probably Damaging"; Align-GVGD: "Not Available"). This sequence change replaces tyrosine, which is neutral and polar, with cysteine, which is neutral and slightly polar, at codon 1274 of the TRIP11 protein (p.Tyr1274Cys). This variant is not present in population databases (gnomAD no frequency). This variant has not been reported in the literature in individuals affected with TRIP11-related conditions. In summary, the available evidence is currently insufficient to determine the role of this variant in disease. Therefore, it has been classified as a Variant of Uncertain Significance.

NM_004239.4(TRIP11):c.3821A>G (p.Tyr1274Cys)

Gene: TRIP11 (thyroid hormone receptor interactor 11; minus strand). Cytogenetic location: 14q32.12.
Variant type: single nucleotide variant.
Coding change: c.3821A>G on transcript NM_004239.4 (MANE Select); coding-DNA position 3821, A replaced by G.
Protein change: p.Tyr1274Cys; replaces tyrosine 1274 with cysteine.
Molecular consequence: missense variant.
Genome position (GRCh38, 1-based): chr14:92,004,155, T>C on the plus strand (A>G on the coding strand, the complement: TRIP11 is on the minus strand). VCF-style: chr14-92004155-T-C. GRCh37 (hg19) VCF-style: chr14-92470499-T-C.
Other names: c.3818A>G, p.Tyr1273Cys (NM_001321851.1); short protein forms Y1273C, Y1274C.
Identifiers: ClinVar variation 1446610 (VCV001446610.8), dbSNP rs2056866244, ClinGen allele CA390651352.